The following is an entry in ClinVar:

ClinVar aggregate classification (germline): Uncertain significance. Review status: criteria provided, multiple submitters, no conflicts (2 of 4 stars). 3 submissions from 3 submitters: Uncertain significance (3). Last evaluated 2025-03-30.

Conditions:
Waardenburg syndrome type 2A (WS2A). Also called: WAARDENBURG SYNDROME WITHOUT DYSTOPIA CANTHORUM. Identifiers: Orphanet 3440, MedGen C1860339, MONDO:0008671, OMIM 193510.
Melanoma, cutaneous malignant, susceptibility to, 8. Also called: MELANOMA AND RENAL CELL CARCINOMA, SUSCEPTIBILITY TO; Cutaneous malignant melanoma 8. Identifiers: Orphanet 293822, MedGen C3152204, MONDO:0013759, OMIM 614456.
Tietz syndrome (TADS). Also called: ALBINISM-DEAFNESS OF TIETZ; TIETZ ALBINISM-DEAFNESS SYNDROME; HYPOPIGMENTATION/DEAFNESS OF TIETZ. Identifiers: Orphanet 42665, MedGen C0391816, MONDO:0007077, OMIM 103500.
Hereditary cancer-predisposing syndrome. Also called: Hereditary neoplastic syndrome; Neoplastic Syndromes, Hereditary; Tumor predisposition; Hereditary Cancer Syndrome. Identifiers: Orphanet 140162, MedGen C0027672, MeSH D009386, MONDO:0015356.

Submissions (3):

Ambry Genetics
Classification: Uncertain significance for Hereditary cancer-predisposing syndrome. Last evaluated: 2025-03-30. Review status: criteria provided, single submitter. Criteria: Ambry Variant Classification Scheme 2023. Collection method: clinical testing. Allele origin: germline.
Comment: The p.V150D variant (also known as c.449T>A), located in coding exon 5 of the MITF gene, results from a T to A substitution at nucleotide position 449. The valine at codon 150 is replaced by aspartic acid, an amino acid with highly dissimilar properties. This amino acid position is conserved. In addition, the in silico prediction for this alteration is inconclusive. Based on the available evidence, the clinical significance of this variant remains unclear.

Labcorp Genetics (formerly Invitae), Labcorp
Classification: Uncertain significance for Melanoma, cutaneous malignant, susceptibility to, 8; Waardenburg syndrome type 2A; Tietz syndrome. Last evaluated: 2024-03-29. Review status: criteria provided, single submitter. Criteria: Invitae Variant Classification Sherloc (09022015). Collection method: clinical testing. Allele origin: germline.
Comment: This sequence change replaces valine, which is neutral and non-polar, with aspartic acid, which is acidic and polar, at codon 150 of the MITF protein (p.Val150Asp). This variant is not present in population databases (gnomAD no frequency). This variant has not been reported in the literature in individuals affected with MITF-related conditions. ClinVar contains an entry for this variant (Variation ID: 1313154). Advanced modeling of protein sequence and biophysical properties (such as structural, functional, and spatial information, amino acid conservation, physicochemical variation, residue mobility, and thermodynamic stability) has been performed at Invitae for this missense variant, however the output from this modeling did not meet the statistical confidence thresholds required to predict the impact of this variant on MITF protein function. In summary, the available evidence is currently insufficient to determine the role of this variant in disease. Therefore, it has been classified as a Variant of Uncertain Significance.

GeneDx
Classification: Uncertain significance. Last evaluated: 2020-08-05. Review status: criteria provided, single submitter. Criteria: GeneDx Variant Classification Process June 2021. Collection method: clinical testing. Allele origin: germline. Affected: yes.
Comment: Not observed in large population cohorts (Lek 2016); In silico analysis supports that this missense variant has a deleterious effect on protein structure/function; Has not been previously published as pathogenic or benign to our knowledge

NM_001354604.2(MITF):c.770T>A (p.Val257Asp)

Gene: MITF (melanocyte inducing transcription factor; plus strand). Cytogenetic location: 3p13.
Variant type: single nucleotide variant.
Coding change: c.770T>A on transcript NM_001354604.2 (MANE Select); coding-DNA position 770, T replaced by A.
Protein change: p.Val257Asp; replaces valine 257 with aspartic acid.
Molecular consequence: missense variant.
Genome position (GRCh38, 1-based): chr3:69,949,058, T>A. VCF-style: chr3-69949058-T-A. GRCh37 (hg19) VCF-style: chr3-69998209-T-A.
Other names: c.449T>A, p.Val150Asp (NM_000248.4, NM_198158.3); c.614T>A, p.Val205Asp (NM_001184967.2, NM_001354608.2); c.767T>A, p.Val256Asp (NM_001354605.2, NM_001354606.2, NM_006722.3); c.719T>A, p.Val240Asp (NM_001354607.2); c.770T>A, p.Val257Asp (NM_198159.3); c.722T>A, p.Val241Asp (NM_198177.3); c.281T>A, p.Val94Asp (NM_198178.3); short protein forms V150D, V205D, V240D, V241D, V256D, V257D, V94D.
Identifiers: ClinVar variation 1313154 (VCV001313154.5), dbSNP rs2107511139, ClinGen allele CA353561254.